The following is an entry in ClinVar:

NM_004568.6(SERPINB6):c.313-5C>G

Gene: SERPINB6 (serpin family B member 6; minus strand). Cytogenetic location: 6p25.2.
Variant type: single nucleotide variant.
Coding change: c.313-5C>G on transcript NM_004568.6 (MANE Select); 5 bases into the intron before coding-DNA position 313, C replaced by G.
Molecular consequence: intron variant.
Genome position (GRCh38, 1-based): chr6:2,954,714, G>C on the plus strand (C>G on the coding strand, the complement: SERPINB6 is on the minus strand). VCF-style: chr6-2954714-G-C. GRCh37 (hg19) VCF-style: chr6-2954948-G-C.
Other names: c.313-5C>G (NM_001297700.2, NM_001271824.2, NM_001297699.2 and 2 more transcripts); c.325-5C>G (NM_001195291.3, NM_001374515.1); c.355-5C>G (NM_001271822.2); c.370-5C>G (NM_001271823.2); c.181-5C>G (NM_001374517.1).
Identifiers: ClinVar variation 504675 (VCV000504675.11), dbSNP rs370994947, ClinGen allele CA3617576.
Genomic context (GRCh38, chr6:2,954,714, plus strand): 5'-AAGTCAAGCTCCTCCATCTCTGCTTGGTAGAATTTTTGGCAGGAATCTCTAAAAGACTAG[G>C]ATAGACAGAGTGACATAACTGCCTGGCTACAAAAATGATGAACACCAACGGCCTACTTCT-3'

ClinVar aggregate classification (germline): Conflicting classifications of pathogenicity. Review status: criteria provided, conflicting classifications (1 of 4 stars). 4 submissions from 4 submitters: Uncertain significance (1); Likely benign (3). Last evaluated 2025-11-08.

Conditions:
SERPINB6-related disorder. Also called: SERPINB6-related condition.

Allele frequency attached by ClinVar (database versions not stated): ESP Exome Variant Server 0.00008; gnomAD 0.00018; TOPMed 0.00018; ExAC 0.00027; gnomAD exomes 0.00035 and 0.00036.
gnomAD v4.1: 542 of 1,603,352 alleles (0.034%); highest among the groups gnomAD compares: South Asian, 0.11%; no homozygotes.

Submissions (4):

Labcorp Genetics (formerly Invitae), Labcorp
Classification: Likely benign. Last evaluated: 2025-11-08. Review status: criteria provided, single submitter. Criteria: Invitae Variant Classification Sherloc (09022015). Collection method: clinical testing. Allele origin: germline.

PreventionGenetics, part of Exact Sciences
Classification: Likely benign for SERPINB6-related condition. Last evaluated: 2025-10-19. Review status: criteria provided, single submitter. Criteria: ACMG Guidelines, 2015. Collection method: clinical testing. Allele origin: germline.
Comment: This variant is classified as likely benign based on ACMG/AMP sequence variant interpretation guidelines (Richards et al. 2015 PMID: 25741868, with internal and published modifications).

GeneDx
Classification: Likely benign. Last evaluated: 2021-05-11. Review status: criteria provided, single submitter. Criteria: GeneDx Variant Classification Process June 2021. Collection method: clinical testing. Allele origin: germline. Affected: yes.

Laboratory for Molecular Medicine, Mass General Brigham Personalized Medicine
Classification: Uncertain significance. Last evaluated: 2016-08-18. Review status: criteria provided, single submitter. Criteria: LMM Criteria. Collection method: clinical testing. Allele origin: germline. Observed: 1 variant allele.
Comment: Variant classified as Uncertain Significance - Favor Benign. The c.313-5C>G vari ant in SERPINB6 has been reported in 1 individual with hearing loss; however it did not segregate with disease in the family (Sirmaci 2010). This variant has al so been identified in 0.1% (16/16492) of South Asian chromosomes by the Exome Ag gregation Consortium (ExAC; dbSNP rs370994947). Although this variant has been seen in the general population, its frequency is not high enough to rule out a pathogenic role. This variant is located in the 3' splice region. Computational tools do not suggest an impact to splicing. Howeve r, this information is not predictive enough to rule out pathogenicity. In summa ry, while the clinical significance of the c.313-5C>G variant is uncertain, thes e data suggest that it is more likely to be benign.

Literature cited by the submitters: PubMed 20451170 (cited by Laboratory for Molecular Medicine, Mass General Brigham Personalized Medicine).